The following is an entry in ClinVar:

ClinVar aggregate classification (germline): Pathogenic/Likely pathogenic. Review status: criteria provided, multiple submitters, no conflicts (2 of 4 stars). 2 submissions from 2 submitters: Pathogenic (1); Likely pathogenic (1). Last evaluated 2024-01-22.

Conditions:
Encephalopathy, lethal, due to defective mitochondrial peroxisomal fission 1. Also called: Lethal Encephalopathy Due To Defective Mitochondrial Peroxisomal Fission. Identifiers: Orphanet 330050, MedGen C3280660, MONDO:0013726, OMIM 614388.
Optic atrophy 5 (OPA5). Identifiers: Orphanet 98673, MedGen C1853139, MONDO:0012543, OMIM 610708.

Allele frequency attached by ClinVar (database versions not stated): gnomAD exomes below 0.00001; TOPMed below 0.00001.
gnomAD v4.1: 4 of 1,613,968 alleles (0.00025%); highest among the groups gnomAD compares: South Asian, 0.0011%; no homozygotes.

Submissions (2):

Labcorp Genetics (formerly Invitae), Labcorp
Classification: Pathogenic. Last evaluated: 2024-01-22. Review status: criteria provided, single submitter. Criteria: Invitae Variant Classification Sherloc (09022015). Collection method: clinical testing. Allele origin: germline.
Comment: This sequence change creates a premature translational stop signal (p.Arg649*) in the DNM1L gene. It is expected to result in an absent or disrupted protein product. Loss-of-function variants in DNM1L are known to be pathogenic (PMID: 26825290, 27328748). This variant is present in population databases (no rsID available, gnomAD 0.003%). This variant has not been reported in the literature in individuals affected with DNM1L-related conditions. ClinVar contains an entry for this variant (Variation ID: 1395392). For these reasons, this variant has been classified as Pathogenic.

Juno Genomics, Hangzhou Juno Genomics, Inc
Classification: Likely pathogenic for Encephalopathy, lethal, due to defective mitochondrial peroxisomal fission 1; Optic atrophy 5. Review status: criteria provided, single submitter. Criteria: ACMG Guidelines, 2015. Collection method: clinical testing. Allele origin: germline.
Comment: Null variant in a gene where loss of function (LOF) is a known mechanism of disease.;Absent from controls (or at extremely low frequency if recessive) in Genome Aggregation Database.

Literature cited by the submitters: PubMed 26825290 (cited by Labcorp Genetics (formerly Invitae), Labcorp); PubMed 27328748 (cited by Labcorp Genetics (formerly Invitae), Labcorp).

NM_012062.5(DNM1L):c.1945C>T (p.Arg649Ter)

Gene: DNM1L (dynamin 1L; plus strand). Cytogenetic location: 12p11.21.
Variant type: single nucleotide variant.
Coding change: c.1945C>T on transcript NM_012062.5 (MANE Select); coding-DNA position 1945, C replaced by T.
Protein change: p.Arg649Ter; replaces arginine 649 with a stop codon.
Molecular consequence: nonsense.
Genome position (GRCh38, 1-based): chr12:32,740,469, C>T. VCF-style: chr12-32740469-C-T. GRCh37 (hg19) VCF-style: chr12-32893403-C-T.
Other names: c.1912C>T, p.Arg638Ter (NM_001278463.2); c.1984C>T, p.Arg662Ter (NM_001278464.2); c.1951C>T, p.Arg651Ter (NM_001278465.2); c.1336C>T, p.Arg446Ter (NM_001278466.2); c.1873C>T, p.Arg625Ter (NM_001330380.2); c.1834C>T, p.Arg612Ter (NM_005690.5); c.1867C>T, p.Arg623Ter (NM_012063.4); short protein forms R638*, R649*, R612*, R623*, R625*, R446*, R651*, R662*.
Identifiers: ClinVar variation 1395392 (VCV001395392.8), dbSNP rs1233958373, ClinGen allele CA384364161.